The following is an entry in ClinVar:

ClinVar aggregate classification (germline): Uncertain significance (1 of 4 stars; one submission).

Conditions:
Hereditary spastic paraplegia. Also called: Familial spastic paraparesis. Identifiers: Orphanet 685, MedGen C0037773, MONDO:0019064. Disease mechanism: loss of function.

Allele frequency attached by ClinVar (database versions not stated): gnomAD exomes below 0.00001; gnomAD 0.00003 and 0.00004; TOPMed 0.00004.
gnomAD v4.1: 6 of 1,613,586 alleles (0.00037%); highest among the groups gnomAD compares: African/African-American, 0.008%; no homozygotes.

Submission:

Labcorp Genetics (formerly Invitae), Labcorp
Classification: Uncertain significance for Hereditary spastic paraplegia. Last evaluated: 2018-10-29. Review status: criteria provided, single submitter. Criteria: Invitae Variant Classification Sherloc (09022015). Collection method: clinical testing. Allele origin: germline.
Comment: This sequence change replaces tyrosine with cysteine at codon 749 of the USP8 protein (p.Tyr749Cys). The tyrosine residue is moderately conserved and there is a large physicochemical difference between tyrosine and cysteine. This variant is not present in population databases (ExAC no frequency). This variant has not been reported in the literature in individuals with USP8-related disease. Algorithms developed to predict the effect of missense changes on protein structure and function are either unavailable or do not agree on the potential impact of this missense change (SIFT: "Deleterious"; PolyPhen-2: "Probably Damaging"; Align-GVGD: "Class C0"). In summary, the available evidence is currently insufficient to determine the role of this variant in disease. Therefore, it has been classified as a Variant of Uncertain Significance.

NM_005154.5(USP8):c.2246A>G (p.Tyr749Cys)

Gene: USP8 (ubiquitin specific peptidase 8; plus strand). Cytogenetic location: 15q21.2.
Variant type: single nucleotide variant.
Coding change: c.2246A>G on transcript NM_005154.5 (MANE Select); coding-DNA position 2246, A replaced by G.
Protein change: p.Tyr749Cys; replaces tyrosine 749 with cysteine.
Molecular consequence: missense variant.
Genome position (GRCh38, 1-based): chr15:50,492,712, A>G. VCF-style: chr15-50492712-A-G. GRCh37 (hg19) VCF-style: chr15-50784909-A-G.
Other names: c.2246A>G, p.Tyr749Cys (NM_001128610.3); c.1928A>G, p.Tyr643Cys (NM_001283049.2); short protein forms Y643C, Y749C.
Identifiers: ClinVar variation 658247 (VCV000658247.1), dbSNP rs898810598, ClinGen allele CA270505096.